The following is an entry in ClinVar:

ClinVar aggregate classification (germline): Pathogenic (1 of 4 stars; one submission).

Conditions:
Pyridoxine-dependent epilepsy (EPEO4). Also called: Pyridoxine-Dependent Epilepsy - ALDH7A1; PYRIDOXINE DEPENDENCY WITH SEIZURES; EPILEPSY, EARLY-ONSET, 4, VITAMIN B6-DEPENDENT; Pyridoxine-Dependent Seizures. Identifiers: Orphanet 3006, MedGen C1849508, MONDO:0009945, OMIM 266100. Disease mechanism: loss of function.

Submission:

Labcorp Genetics (formerly Invitae), Labcorp
Classification: Pathogenic for Pyridoxine-dependent epilepsy. Last evaluated: 2021-03-03. Review status: criteria provided, single submitter. Criteria: Invitae Variant Classification Sherloc (09022015). Collection method: clinical testing. Allele origin: germline.
Comment: This variant has been observed in individual(s) with clinical features of pyridoxine-dependent epilepsy (Invitae). This variant results in the deletion of part of exon 1 (c.184_193-248delinsTGGGGAGCCTG) of the ALDH7A1 gene. It is expected to disrupt RNA splicing. Variants that disrupt the donor or acceptor splice site typically lead to a loss of protein function (PMID: 16199547), and loss-of-function variants in ALDH7A1 are known to be pathogenic (PMID: 16491085, 20554659). For these reasons, this variant has been classified as Pathogenic.

Literature cited by the submitters: PubMed 16199547; PubMed 16491085; PubMed 20554659.

NC_000005.9:g.(?_125929344)_(125930707_?)del

Gene: ALDH7A1 (aldehyde dehydrogenase 7 family member A1; minus strand). Cytogenetic location: 5q23.2.
Variant type: Deletion.
Identifiers: ClinVar variation 1409272 (VCV001409272.4).